The following is an entry in ClinVar:

ClinVar aggregate classification (germline): Conflicting classifications of pathogenicity. Review status: criteria provided, conflicting classifications (1 of 4 stars). 9 submissions from 8 submitters: Uncertain significance (8); Likely benign (1). Last evaluated 2026-05-05.

Conditions:
Inborn genetic diseases. Identifiers: MedGen C0950123, MeSH D030342.
Joubert syndrome 9 (JBTS9). Identifiers: Orphanet 2318, MedGen C2676788, MONDO:0012849, OMIM 612285.
Retinitis pigmentosa 93. Identifiers: MedGen C5676970, MONDO:0030797, OMIM 619845.
Meckel syndrome, type 6. Identifiers: Orphanet 564, MedGen C2676790, MONDO:0012848, OMIM 612284.
COACH syndrome 2. Identifiers: MedGen C5436837, MONDO:0030859, OMIM 619111.
Meckel-Gruber syndrome. Also called: Dysencephalia splachnocystica; DYSENCEPHALIA SPLANCHNOCYSTICA; GRUBER SYNDROME. Identifiers: Orphanet 564, MedGen C0265215, MONDO:0018921.
Joubert syndrome. Also called: JOUBERT-BOLTSHAUSER SYNDROME; Familial aplasia of the vermis. Identifiers: Orphanet 475, MedGen C5979921, MONDO:0018772.
CC2D2A-related disorder. Also called: CC2D2A-related disorders; CC2D2A-related condition. Identifiers: MedGen CN239313.

Allele frequency attached by ClinVar (database versions not stated): TOPMed 0.00007; ESP Exome Variant Server 0.00008; gnomAD 0.00011 and 0.00012; gnomAD exomes 0.00016 and 0.00027; ExAC 0.00017.
gnomAD v4.1: 405 of 1,613,782 alleles (0.025%); highest among the groups gnomAD compares: Non-Finnish European, 0.032%; 2 homozygotes.

Submissions (9):

GeneDx
Classification: Uncertain significance. Last evaluated: 2026-05-05. Review status: criteria provided, single submitter. Criteria: GeneDx Variant Classification Process June 2021. Collection method: clinical testing. Allele origin: germline.
Comment: Reported in a patient with congenital anomalies of the kidney and urinary tract in published literature (PMID: 35368817); In silico analysis suggests that this missense variant does not alter protein structure/function; This variant is associated with the following publications: (PMID: 35368817)

PreventionGenetics, part of Exact Sciences
Classification: Uncertain significance for CC2D2A-related condition. Last evaluated: 2026-05-05. Review status: criteria provided, single submitter. Criteria: ACMG Guidelines, 2015. Collection method: clinical testing. Allele origin: germline.
Comment: The CC2D2A c.2597A>G variant is predicted to result in the amino acid substitution p.Asn866Ser. This variant has been reported as a single heterozygous allele an individual with congenital anomalies of kidney and urinary tract (Table S5, Bekheirnia et al. 2021. PubMed ID: 35368817). Serine is found at this position in the CC2D2A protein in many vertebrates, suggesting it might be tolerated. This variant is reported in 0.029% of alleles in individuals of European (non-Finnish) descent in gnomAD v2 (as displayed in the table above). However, in gnomAD v4 (available only on GRCh38), this variant is reported in 0.032% of alleles in a subpopulation, including 2 homozygotes. Although we suspect that this variant may be benign, the clinical significance of this variant is classified as uncertain at this time due to insufficient functional and genetic evidence.

Fulgent Genetics
Classification: Uncertain significance for Meckel syndrome, type 6; Joubert syndrome 9; COACH syndrome 2; Retinitis pigmentosa 93. Last evaluated: 2024-06-10. Review status: criteria provided, single submitter. Criteria: ACMG Guidelines, 2015. Collection method: clinical testing. Allele origin: germline.

Blueprint Genetics
Classification: Likely benign. Last evaluated: 2024-02-21. Review status: criteria provided, single submitter. Criteria: ACMG Guidelines, 2015. Collection method: clinical testing. Allele origin: germline.

Ambry Genetics
Classification: Uncertain significance for Inborn genetic diseases. Last evaluated: 2023-12-27. Review status: criteria provided, single submitter. Criteria: Ambry Variant Classification Scheme 2023. Collection method: clinical testing. Allele origin: germline.

Labcorp Genetics (formerly Invitae), Labcorp
Classification: Uncertain significance for Joubert syndrome; Meckel-Gruber syndrome. Last evaluated: 2022-10-25. Review status: criteria provided, single submitter. Criteria: Invitae Variant Classification Sherloc (09022015). Collection method: clinical testing. Allele origin: germline.
Comment: This sequence change replaces asparagine, which is neutral and polar, with serine, which is neutral and polar, at codon 866 of the CC2D2A protein (p.Asn866Ser). This variant is present in population databases (rs199563573, gnomAD 0.03%). This variant has not been reported in the literature in individuals affected with CC2D2A-related conditions. ClinVar contains an entry for this variant (Variation ID: 347841). Advanced modeling of protein sequence and biophysical properties (such as structural, functional, and spatial information, amino acid conservation, physicochemical variation, residue mobility, and thermodynamic stability) performed at Invitae indicates that this missense variant is not expected to disrupt CC2D2A protein function. In summary, the available evidence is currently insufficient to determine the role of this variant in disease. Therefore, it has been classified as a Variant of Uncertain Significance.

CeGaT Center for Human Genetics Tuebingen
Classification: Uncertain significance. Last evaluated: 2018-10-01. Review status: criteria provided, single submitter. Criteria: CeGaT Center For Human Genetics Tuebingen Variant Classification Criteria Version 2. Collection method: clinical testing. Allele origin: germline. Affected: yes. Observed: 1 variant allele.

Illumina Laboratory Services, Illumina
Classification: Uncertain significance for Joubert syndrome 9. Last evaluated: 2018-01-13. Review status: criteria provided, single submitter. Criteria: ICSL Variant Classification Criteria 13 December 2019. Collection method: clinical testing. Allele origin: germline.

Illumina Laboratory Services, Illumina
Classification: Uncertain significance for Meckel syndrome, type 6. Last evaluated: 2018-01-13. Review status: criteria provided, single submitter. Criteria: ICSL Variant Classification Criteria 13 December 2019. Collection method: clinical testing. Allele origin: germline.

NM_001378615.1(CC2D2A):c.2597A>G (p.Asn866Ser)

Genes: CC2D2A (coiled-coil and C2 domain containing 2A; plus strand), FBXL5 (F-box and leucine rich repeat protein 5; minus strand). Cytogenetic location: 4p15.32.
Variant type: single nucleotide variant.
Coding change: c.2597A>G on transcript NM_001378615.1 (MANE Select); coding-DNA position 2597, A replaced by G.
Protein change: p.Asn866Ser; replaces asparagine 866 with serine.
Molecular consequence: missense variant.
Genome position (GRCh38, 1-based): chr4:15,555,182, A>G. VCF-style: chr4-15555182-A-G. GRCh37 (hg19) VCF-style: chr4-15556805-A-G.
Other names: c.2597A>G, p.Asn866Ser (NM_001080522.2); c.2450A>G, p.Asn817Ser (NM_001378617.1); short protein forms N866S, N817S.
Identifiers: ClinVar variation 347841 (VCV000347841.57), dbSNP rs199563573, ClinGen allele CA2863963.
Genomic context (GRCh38, chr4:15,555,182, plus strand): 5'-CAGACATGAAAAAATTGGCCAAGTGGGCAGCAGAGTCCAAGCTCGACCCAAATGACCCCA[A>G]CAATGCCCCTTTGATGCAGCTTATCTCGGTATGTAGCAGGAGGCACACATGCCATTTCTT-3'
Protein context (NP_001365544.1, residues 856-876): AESKLDPNDP[Asn866Ser]NAPLMQLISV